The following is an entry in ClinVar:

ClinVar aggregate classification (germline): Uncertain significance (1 of 4 stars; one submission).

Conditions:
Cardiovascular phenotype. Identifiers: MedGen CN230736.

Submission:

Ambry Genetics
Classification: Uncertain significance for Cardiovascular phenotype. Last evaluated: 2025-11-19. Review status: criteria provided, single submitter. Criteria: Ambry Variant Classification Scheme 2023. Collection method: clinical testing. Allele origin: germline.
Comment: The p.S396N variant (also known as c.1187G>A), located in coding exon 7 of the SPRED1 gene, results from a G to A substitution at nucleotide position 1187. The serine at codon 396 is replaced by asparagine, an amino acid with highly similar properties. This amino acid position is conserved. In addition, this alteration is predicted to be tolerated by in silico analysis. Based on the available evidence, the clinical significance of this variant remains unclear.

NM_152594.3(SPRED1):c.1187G>A (p.Ser396Asn)

Gene: SPRED1 (sprouty related EVH1 domain containing 1; plus strand). Cytogenetic location: 15q14.
Variant type: single nucleotide variant.
Coding change: c.1187G>A on transcript NM_152594.3 (MANE Select); coding-DNA position 1187, G replaced by A.
Protein change: p.Ser396Asn; replaces serine 396 with asparagine.
Molecular consequence: missense variant.
Genome position (GRCh38, 1-based): chr15:38,351,516, G>A. VCF-style: chr15-38351516-G-A. GRCh37 (hg19) VCF-style: chr15-38643717-G-A.
Other names: short protein forms S396N.
Identifiers: ClinVar variation 4615033 (VCV004615033.1).